The following is an entry in ClinVar:

Conditions:
Long QT syndrome 5 (LQT5). Identifiers: Orphanet 101016, Orphanet 768, MedGen C1867904, MONDO:0013372, OMIM 613695.

Submission:

Roden Lab, Vanderbilt University Medical Center
No classification provided (evidence only). Condition: Long QT syndrome 5. Review status: no classification provided. Collection method: in vitro. Allele origin: not applicable. Functional consequence: Effect on ion channel function.
ClinVar note: "not provided" was previously submitted as the classification for the variant. However, the classification appeared to be based only on an observation of functional data so it was converted to no classification on 2025-07-30.

NM_000219.6(KCNE1):c.342C>A (p.Ala114=)

Gene: KCNE1 (potassium voltage-gated channel subfamily E regulatory subunit 1; minus strand). Cytogenetic location: 21q22.12.
Variant type: single nucleotide variant.
Coding change: c.342C>A on transcript NM_000219.6 (MANE Select); coding-DNA position 342, C replaced by A.
Protein change: p.Ala114=; no amino-acid change (alanine 114 retained).
Molecular consequence: synonymous variant.
Genome position (GRCh38, 1-based): chr21:34,449,293, G>T on the plus strand (C>A on the coding strand, the complement: KCNE1 is on the minus strand). VCF-style: chr21-34449293-G-T. GRCh37 (hg19) VCF-style: chr21-35821591-G-T.
Other names: c.342C>A, p.Ala114= (NM_001127668.4, NM_001127669.4, NM_001127670.4 and 4 more transcripts).
Identifiers: ClinVar variation 3374688 (VCV003374688.2).